The following is an entry in ClinVar:

ClinVar aggregate classification (germline): Uncertain significance (1 of 4 stars; one submission).

Conditions:
Neuromuscular disease caused by qualitative or quantitative defects of dysferlin. Also called: Qualitative or quantitative defects of dysferlin; Dysferlinopathy. Identifiers: Orphanet 207073, MedGen C2931687, MONDO:0016145.

Allele frequency attached by ClinVar (database versions not stated): gnomAD 0.00001; gnomAD exomes 0.00001.
gnomAD v4.1: 25 of 1,614,136 alleles (0.0015%); highest among the groups gnomAD compares: Non-Finnish European, 0.0021%; no homozygotes.

Submission:

Labcorp Genetics (formerly Invitae), Labcorp
Classification: Uncertain significance for Neuromuscular disease caused by qualitative or quantitative defects of dysferlin. Last evaluated: 2021-08-30. Review status: criteria provided, single submitter. Criteria: Invitae Variant Classification Sherloc (09022015). Collection method: clinical testing. Allele origin: germline.
Comment: This sequence change replaces aspartic acid with asparagine at codon 363 of the DYSF protein (p.Asp363Asn). The aspartic acid residue is moderately conserved and there is a small physicochemical difference between aspartic acid and asparagine. This variant is not present in population databases (ExAC no frequency). This variant has not been reported in the literature in individuals affected with DYSF-related conditions. Advanced modeling of protein sequence and biophysical properties (such as structural, functional, and spatial information, amino acid conservation, physicochemical variation, residue mobility, and thermodynamic stability) performed at Invitae indicates that this missense variant is expected to disrupt DYSF protein function. In summary, the available evidence is currently insufficient to determine the role of this variant in disease. Therefore, it has been classified as a Variant of Uncertain Significance.

NM_001130987.2(DYSF):c.1183G>A (p.Asp395Asn)

Gene: DYSF (dysferlin; plus strand). Cytogenetic location: 2p13.2.
Variant type: single nucleotide variant.
Coding change: c.1183G>A on transcript NM_001130987.2 (MANE Select); coding-DNA position 1183, G replaced by A.
Protein change: p.Asp395Asn; replaces aspartic acid 395 with asparagine.
Molecular consequence: missense variant.
Genome position (GRCh38, 1-based): chr2:71,526,253, G>A. VCF-style: chr2-71526253-G-A. GRCh37 (hg19) VCF-style: chr2-71753383-G-A.
Other names: c.1087G>A, p.Asp363Asn (NM_001130978.2, NM_001130976.2, NM_001130977.2 and 1 more transcripts); c.1180G>A, p.Asp394Asn (NM_001130979.2, NM_001130980.2, NM_001130981.2); c.1183G>A, p.Asp395Asn (NM_001130982.2, NM_001130985.2); c.1090G>A, p.Asp364Asn (NM_001130983.2, NM_001130984.2, NM_001130986.2 and 1 more transcripts); short protein forms D363N, D394N, D364N, D395N.
Identifiers: ClinVar variation 1438998 (VCV001438998.5), dbSNP rs1333857093, ClinGen allele CA347213127.